The following is an entry in ClinVar:

ClinVar aggregate classification (germline): Uncertain significance. Review status: criteria provided, multiple submitters, no conflicts (2 of 4 stars). 2 submissions from 2 submitters: Uncertain significance (2). Last evaluated 2023-09-07.

Conditions:
Cardiovascular phenotype. Identifiers: MedGen CN230736.

Submissions (2):

Ambry Genetics
Classification: Uncertain significance for Cardiovascular phenotype. Last evaluated: 2023-09-07. Review status: criteria provided, single submitter. Criteria: Ambry Variant Classification Scheme 2023. Collection method: clinical testing. Allele origin: germline.
Comment: The p.M357R variant (also known as c.1070T>G), located in coding exon 10 of the MYH7 gene, results from a T to G substitution at nucleotide position 1070. The methionine at codon 357 is replaced by arginine, an amino acid with similar properties. This amino acid position is highly conserved in available vertebrate species. In addition, this alteration is predicted to be deleterious by in silico analysis. Since supporting evidence is limited at this time, the clinical significance of this alteration remains unclear.

GeneDx
Classification: Uncertain significance. Last evaluated: 2017-09-25. Review status: criteria provided, single submitter. Criteria: GeneDx Variant Classification (06012015). Collection method: clinical testing. Allele origin: germline. Affected: yes.
Comment: p.Met357Arg (ATG>AGG):c.1070 T>G in exon 12 of the MYH7 gene (NM_000257.2). The Met357Arg variant in the MYH7 gene has not been reported as a pathogenic variant or as a benign polymorphism to our knowledge. Met357Arg results in a non-conservative amino acid substitution of a non-polar Methionine residue with a positively charged Arginine residue at a position that is conserved across species. In silico analysis predicts Met357Arg is possibly damaging to the protein structure/function. Variants in nearby residues (Lys351Glu, Ala355Thr) have been reported in association with HCM, further supporting the functional importance of this region of the protein. Furthermore, the NHLBI ESP Exome Variant Server reports Met357Arg was not observed in approximately 6,500 samples from individuals of European and African American backgrounds, indicating it is not a common benign variant in these populations. In summary, while Met357Arg is a good candidate for a pathogenic variant, with the clinical and molecular information available at this time we cannot unequivocally determine the clinical significance of this variant. The variant is found in DCM panel(s).

NM_000257.4(MYH7):c.1070T>G (p.Met357Arg)

Gene: MYH7 (myosin heavy chain 7; minus strand). Cytogenetic location: 14q11.2.
Variant type: single nucleotide variant.
Coding change: c.1070T>G on transcript NM_000257.4 (MANE Select); coding-DNA position 1070, T replaced by G.
Protein change: p.Met357Arg; replaces methionine 357 with arginine.
Molecular consequence: missense variant.
Genome position (GRCh38, 1-based): chr14:23,429,843, A>C on the plus strand (T>G on the coding strand, the complement: MYH7 is on the minus strand). VCF-style: chr14-23429843-A-C. GRCh37 (hg19) VCF-style: chr14-23899052-A-C.
Other names: p.M357R:ATG>AGG; c.1070T>G (LRG_384t1); short protein forms M357R.
Identifiers: ClinVar variation 181336 (VCV000181336.4), dbSNP rs730880865, ClinGen allele CA010138.
Genomic context (GRCh38, chr14:23,429,843, plus strand): 5'-CCGTCTGGCTCCGCCTGCTCCTCCCGCTGCTTCAGCTTGAACTTCATGTTTCCAAAGTGC[A>C]TGATGGCGCCTGTCAGCTTATACATGGAGTTTTTCTCCTCTGAAGTGAAGCCCAGCACAT-3'
Protein context (NP_000248.2, residues 347-367): NSMYKLTGAI[Met357Arg]HFGNMKFKLK